The following is an entry in ClinVar:

ClinVar aggregate classification (germline): Likely pathogenic (1 of 4 stars; one submission).

Conditions:
Severe combined immunodeficiency due to IKK2 deficiency. Also called: IMMUNODEFICIENCY 15B; Immunodeficiency 15. Identifiers: Orphanet 397787, MedGen C4747743, MONDO:0014267, OMIM 615592.

Submission:

Next Generation Genetic Polyclinic
Classification: Likely pathogenic for Severe combined immunodeficiency due to IKK2 deficiency. Last evaluated: 2025-03-28. Review status: criteria provided, single submitter. Criteria: ACMG Guidelines, 2015. Collection method: clinical testing. Allele origin: germline. Affected: yes. Observed: 2 variant alleles.
Comment: Novel canonical splice site variant in IKBKB (c.201-1G>A), predicted to abolish normal splicing. The gene is known to cause autosomal recessive immunodeficiency with susceptibility to infection. Absent from population databases (PM2). Splice-altering variants are a known pathogenic mechanism in IKBKB (PVS1). Meets ACMG criteria: PVS1 (moderate), PM2, PP3. Sanger sequencing confirmed variant presence.

NM_001556.3(IKBKB):c.201-1G>A

Gene: IKBKB (inhibitor of nuclear factor kappa B kinase subunit beta; plus strand). Cytogenetic location: 8p11.21.
Variant type: single nucleotide variant.
Coding change: c.201-1G>A on transcript NM_001556.3 (MANE Select); the canonical splice acceptor site of the intron before coding-DNA position 201, G replaced by A.
Molecular consequence: splice acceptor variant.
Genome position (GRCh38, 1-based): chr8:42,290,155, G>A. VCF-style: chr8-42290155-G-A. GRCh37 (hg19) VCF-style: chr8-42147673-G-A.
Other names: c.24-1G>A (NM_001242778.2); c.9-1G>A (NM_001190720.3).
Identifiers: ClinVar variation 4071522 (VCV004071522.1).